The following is an entry in ClinVar:

ClinVar aggregate classification (germline): Pathogenic (1 of 4 stars; one submission).

Conditions:
Glycogen storage disease type III (GSD3). Also called: FORBES DISEASE; Cori disease. Identifiers: Orphanet 366, MedGen C0017922, MONDO:0009291, OMIM 232400.

Submission:

Myriad Genetics, Inc.
Classification: Pathogenic for Glycogen storage disease type III. Last evaluated: 2024-02-21. Review status: criteria provided, single submitter. Criteria: Myriad Autosomal Dominant, Autosomal Recessive and X-Linked Classification Criteria (2023). Collection method: clinical testing. Allele origin: unknown.
Comment: NM_000642.2(AGL):c.1281delC(R428Gfs*10) is expected to be pathogenic in the context of glycogen storage disease type III. This variant is predicted to lead to an abnormal or absent protein product due to the creation of a premature termination codon in AGL, a gene where loss-of-function variants are known to be pathogenic. Please note: this variant was assessed in the context of healthy population screening.

NM_000642.3(AGL):c.1281del (p.Arg428fs)

Gene: AGL (amylo-alpha-1,6-glucosidase and 4-alpha-glucanotransferase; plus strand). Cytogenetic location: 1p21.2.
Variant type: Deletion.
Coding change: c.1281del on transcript NM_000642.3 (MANE Select); coding-DNA position 1281, one base deleted (C; older notation c.1281delC).
Protein change: p.Arg428fs; shifts the reading frame from arginine 428.
Molecular consequence: frameshift variant. On other transcripts: intron variant (1).
Genome position (GRCh38, 1-based): chr1:99,875,453, C deleted; the last of 2 consecutive C bases (chr1:99,875,452-99,875,453); deleting either gives the same sequence. VCF-style (leftmost placement, unchanged base first): chr1-99875451-AC-A. GRCh37 (hg19) VCF-style: chr1-100341007-AC-A.
Other names: c.1281del, p.Arg428fs (NM_000028.3, NM_000643.3, NM_000644.3 and 2 more transcripts); c.1233del, p.Arg412fs (NM_000646.3); c.1077del, p.Arg360fs (NM_001425328.1, NM_001425329.1); c.903del, p.Arg302fs (NM_001425332.1); c.1082+643del (NM_001425327.1); short protein forms R302fs, R360fs, R412fs, R428fs.
Identifiers: ClinVar variation 5012769 (VCV005012769.1).